The following is an entry in ClinVar:

ClinVar aggregate classification (germline): Uncertain significance (1 of 4 stars; one submission).

Submission:

Labcorp Genetics (formerly Invitae), Labcorp
Classification: Uncertain significance. Last evaluated: 2025-04-21. Review status: criteria provided, single submitter. Criteria: Invitae Variant Classification Sherloc (09022015). Collection method: clinical testing. Allele origin: germline.
Comment: This sequence change replaces serine, which is neutral and polar, with asparagine, which is neutral and polar, at codon 383 of the ZIC4 protein (p.Ser383Asn). This variant is not present in population databases (gnomAD no frequency). This variant has not been reported in the literature in individuals affected with ZIC4-related conditions. An algorithm developed to predict the effect of missense changes on protein structure and function (PolyPhen-2) suggests that this variant is likely to be tolerated. In summary, the available evidence is currently insufficient to determine the role of this variant in disease. Therefore, it has been classified as a Variant of Uncertain Significance.

NM_032153.6(ZIC4):c.998G>A (p.Ser333Asn)

Gene: ZIC4 (Zic family zinc finger 4; minus strand). Cytogenetic location: 3q24.
Variant type: single nucleotide variant.
Coding change: c.998G>A on transcript NM_032153.6 (MANE Select); coding-DNA position 998, G replaced by A.
Protein change: p.Ser333Asn; replaces serine 333 with asparagine.
Molecular consequence: missense variant. On other transcripts: non-coding transcript variant (3).
Genome position (GRCh38, 1-based): chr3:147,390,937, C>T on the plus strand (G>A on the coding strand, the complement: ZIC4 is on the minus strand). VCF-style: chr3-147390937-C-T. GRCh37 (hg19) VCF-style: chr3-147108724-C-T.
Other names: c.1148G>A, p.Ser383Asn (NM_001168378.1); c.1112G>A, p.Ser371Asn (NM_001168379.2); c.380G>A, p.Ser127Asn (NM_001243256.2); short protein forms S383N, S127N, S333N, S371N.
Identifiers: ClinVar variation 4773124 (VCV004773124.1).
Genomic context (GRCh38, chr3:147,390,937, plus strand): 5'-CTGAGGATCGCGGCGGGGGCAGCCGCTATGGGGCCCAAGCCCTGACACACGTACCATTCG[C>T]TCAAGTCGGCGGTACGCGCCGCCACCGCCGCCGAGGAGGCCACCTGGGACTTGTGGCCGC-3'
Protein context (NP_115529.2, residues 323-334): AAVAARTADL[Ser333Asn]E